The following is an entry in ClinVar:

NM_000572.3(IL10):c.118A>G (p.Met40Val)

Genes: IL10 (interleukin 10; minus strand), IL19 (interleukin 19; plus strand), LOC128462409 (CRISPRi-FlowFISH-validated IL10 regulatory element GRCh37_chr1:206945468-206946089; plus strand). Cytogenetic location: 1q32.1.
Variant type: single nucleotide variant.
Coding change: c.118A>G on transcript NM_000572.3 (MANE Select); coding-DNA position 118, A replaced by G.
Protein change: p.Met40Val; replaces methionine 40 with valine.
Molecular consequence: missense variant. On other transcripts: non-coding transcript variant (1), intron variant (2).
Genome position (GRCh38, 1-based): chr1:206,772,318, T>C on the plus strand (A>G on the coding strand, the complement: IL10 is on the minus strand). VCF-style: chr1-206772318-T-C. GRCh37 (hg19) VCF-style: chr1-206945663-T-C.
Other names: c.-149+1240T>C (NM_153758.5); c.-149+1488T>C (NM_001393490.1); short protein forms M40V.
Identifiers: ClinVar variation 2168240 (VCV002168240.4), dbSNP rs755837237, ClinGen allele CA1363842.

ClinVar aggregate classification (germline): Uncertain significance (1 of 4 stars; one submission).

Conditions:
Inflammatory bowel disease. Identifiers: Orphanet 104012, MedGen C0021390, MONDO:0005265.

Allele frequency attached by ClinVar (database versions not stated): gnomAD 0.00002; TOPMed 0.00002; ExAC 0.00004; gnomAD exomes 0.00006.
gnomAD v4.1: 40 of 1,614,042 alleles (0.0025%); highest among the groups gnomAD compares: East Asian, 0.087%; no homozygotes.

Submission:

Labcorp Genetics (formerly Invitae), Labcorp
Classification: Uncertain significance for Inflammatory bowel disease. Last evaluated: 2022-07-21. Review status: criteria provided, single submitter. Criteria: Invitae Variant Classification Sherloc (09022015). Collection method: clinical testing. Allele origin: germline.
Comment: This sequence change replaces methionine, which is neutral and non-polar, with valine, which is neutral and non-polar, at codon 40 of the IL10 protein (p.Met40Val). This variant is present in population databases (rs755837237, gnomAD 0.05%). This variant has not been reported in the literature in individuals affected with IL10-related conditions. Algorithms developed to predict the effect of missense changes on protein structure and function are either unavailable or do not agree on the potential impact of this missense change (SIFT: "Tolerated"; PolyPhen-2: "Possibly Damaging"; Align-GVGD: "Class C0"). In summary, the available evidence is currently insufficient to determine the role of this variant in disease. Therefore, it has been classified as a Variant of Uncertain Significance.